The following is an entry in ClinVar:

ClinVar aggregate classification (germline): Uncertain significance (1 of 4 stars; one submission).

Allele frequency attached by ClinVar (database versions not stated): gnomAD exomes below 0.00001.

Submission:

GeneDx
Classification: Uncertain significance. Last evaluated: 2026-09-27. Review status: criteria provided, single submitter. Criteria: GeneDx Variant Classification Process June 2021. Collection method: clinical testing. Allele origin: germline.
Comment: Not observed at significant frequency in large population cohorts (gnomAD); In silico analysis supports that this missense variant has a deleterious effect on protein structure/function; Has not been previously published as pathogenic or benign to our knowledge

NM_001429.4(EP300):c.4711C>T (p.Pro1571Ser)

Gene: EP300 (EP300 lysine acetyltransferase; plus strand). Cytogenetic location: 22q13.2.
Variant type: single nucleotide variant.
Coding change: c.4711C>T on transcript NM_001429.4 (MANE Select); coding-DNA position 4711, C replaced by T.
Protein change: p.Pro1571Ser; replaces proline 1571 with serine.
Molecular consequence: missense variant.
Genome position (GRCh38, 1-based): chr22:41,173,716, C>T. VCF-style: chr22-41173716-C-T. GRCh37 (hg19) VCF-style: chr22-41569720-C-T.
Other names: c.4633C>T, p.Pro1545Ser (NM_001362843.2); short protein forms P1545S, P1571S.
Identifiers: ClinVar variation 2662623 (VCV002662623.2), dbSNP rs913846956, ClinGen allele CA324555987.
Genomic context (GRCh38, chr22:41,173,716, plus strand): 5'-AAGAATAATAAGAAAACCAGCAAAAATAAGAGCAGCCTGAGTAGGGGCAACAAGAAGAAA[C>T]CCGGGATGCCCAATGTATCTAACGACCTCTCACAGAAACTATATGCCACCATGGAGAAGC-3'
Protein context (NP_001420.2, residues 1561-1581): SSLSRGNKKK[Pro1571Ser]GMPNVSNDLS